The following is an entry in ClinVar:

ClinVar aggregate classification (germline): Uncertain significance (1 of 4 stars; one submission).

Conditions:
Hypotonia, infantile, with psychomotor retardation and characteristic facies 1 (INNFD). Identifiers: Orphanet 371364, Orphanet 700336, MedGen C3809454, MONDO:0024567, OMIM 615419.

gnomAD v4.1: 18 of 1,613,484 alleles (0.0011%); highest among the groups gnomAD compares: Non-Finnish European, 0.0015%; no homozygotes.

Submission:

Clinical Genetics Laboratory, Skane University Hospital Lund
Classification: Uncertain significance for Hypotonia, infantile, with psychomotor retardation and characteristic facies 1. Last evaluated: 2025-11-10. Review status: criteria provided, single submitter. Criteria: ACMG Guidelines, 2015. Collection method: clinical testing. Allele origin: germline. Inheritance: Autosomal recessive inheritance. Affected: yes.
Comment: The deletion includes exons 23–44 (of a total of 44 exons) of NALCN (Mane Select NM_052867.4). This variant is currently considered to be of uncertain significance (class 3) ) according to ACMG criteria PM2, PM3, PP3.

NM_052867.4(NALCN):c.4447-3C>A

Gene: NALCN (sodium leak channel, non-selective; minus strand). Cytogenetic location: 13q32.3.
Variant type: single nucleotide variant.
Coding change: c.4447-3C>A on transcript NM_052867.4 (MANE Select); 3 bases into the intron before coding-DNA position 4447, C replaced by A.
Molecular consequence: intron variant.
Genome position (GRCh38, 1-based): chr13:101,065,564, G>T on the plus strand (C>A on the coding strand, the complement: NALCN is on the minus strand). VCF-style: chr13-101065564-G-T. GRCh37 (hg19) VCF-style: chr13-101717916-G-T.
Other names: c.4360-3C>A (NM_001350751.2, NM_001350750.2); c.4447-3C>A (NM_001350749.2); c.4534-3C>A (NM_001350748.2).
Identifiers: ClinVar variation 4526908 (VCV004526908.1).